The following is an entry in ClinVar:

NM_003458.4(BSN):c.1757C>T (p.Ala586Val)

Gene: BSN (bassoon presynaptic cytomatrix protein; plus strand). Cytogenetic location: 3p21.31.
Variant type: single nucleotide variant.
Coding change: c.1757C>T on transcript NM_003458.4 (MANE Select); coding-DNA position 1757, C replaced by T.
Protein change: p.Ala586Val; replaces alanine 586 with valine.
Molecular consequence: missense variant.
Genome position (GRCh38, 1-based): chr3:49,650,850, C>T. VCF-style: chr3-49650850-C-T. GRCh37 (hg19) VCF-style: chr3-49688283-C-T.
Other names: short protein forms A586V.
Identifiers: ClinVar variation 3771139 (VCV003771139.13).
Genomic context (GRCh38, chr3:49,650,850, plus strand): 5'-GCCCCCTGCCTGCCAAGGCCAGCCCTCTATCCACCAAGGCCAGCCCTCTGCCCAGCAAGG[C>T]CAGCCCCCAGGCCAAGCCCCTCAGGGCTTCTGAACCCAGCAAGACCCCAAGCAGTGTCCA-3'
Protein context (NP_003449.2, residues 576-596): STKASPLPSK[Ala586Val]SPQAKPLRAS

ClinVar aggregate classification (germline): Likely benign (1 of 4 stars; one submission).

gnomAD v4.1: 863 of 1,614,190 alleles (0.053%); highest among the groups gnomAD compares: South Asian, 0.91%; 6 homozygotes.

Submission:

CeGaT Center for Human Genetics Tuebingen
Classification: Likely benign. Last evaluated: 2025-01-01. Review status: criteria provided, single submitter. Criteria: CeGaT Center For Human Genetics Tuebingen Variant Classification Criteria Version 2. Collection method: clinical testing. Allele origin: germline. Affected: yes. Observed: 1 variant allele.
Comment: BSN: BP4, BS2